The following is an entry in ClinVar:

ClinVar aggregate classification (germline): Uncertain significance (1 of 4 stars; one submission).

Conditions:
Myopathy, proximal, and ophthalmoplegia (CMYO6). Also called: MYOPATHY WITH CONGENITAL JOINT CONTRACTURES, OPHTHALMOPLEGIA, AND RIMMED VACUOLES; INCLUSION BODY MYOPATHY 3, AUTOSOMAL DOMINANT; CONGENITAL MYOPATHY 6 WITH OPHTHALMOPLEGIA. Identifiers: Orphanet 363677, Orphanet 79091, MedGen C1854106, MONDO:0011577, OMIM 605637.

Allele frequency attached by ClinVar (database versions not stated): gnomAD 0.00001; gnomAD exomes 0.00001 and 0.00002; ExAC 0.00002; TOPMed 0.00002.
gnomAD v4.1: 5 of 1,614,062 alleles (0.00031%); highest among the groups gnomAD compares: Admixed American, 0.0083%; no homozygotes.

Submission:

Labcorp Genetics (formerly Invitae), Labcorp
Classification: Uncertain significance for Myopathy, proximal, and ophthalmoplegia. Last evaluated: 2026-02-01. Review status: criteria provided, single submitter. Criteria: Invitae Variant Classification Sherloc (09022015). Collection method: clinical testing. Allele origin: germline.
Comment: This sequence change replaces lysine, which is basic and polar, with glutamic acid, which is acidic and polar, at codon 1457 of the MYH2 protein (p.Lys1457Glu). This variant is present in population databases (rs776886264, gnomAD 0.01%). This variant has not been reported in the literature in individuals affected with MYH2-related conditions. ClinVar contains an entry for this variant (Variation ID: 572774). An algorithm developed to predict the effect of missense changes on protein structure and function (PolyPhen-2) suggests that this variant is likely to be disruptive. In summary, the available evidence is currently insufficient to determine the role of this variant in disease. Therefore, it has been classified as a Variant of Uncertain Significance.

NM_017534.6(MYH2):c.4369A>G (p.Lys1457Glu)

Genes: MYH2 (myosin heavy chain 2; minus strand), MYHAS (myosin heavy chain gene cluster antisense RNA; plus strand), LOC126862500 (BRD4-independent group 4 enhancer GRCh37_chr17:10427829-10429028; plus strand). Cytogenetic location: 17p13.1.
Variant type: single nucleotide variant.
Coding change: c.4369A>G on transcript NM_017534.6 (MANE Select); coding-DNA position 4369, A replaced by G.
Protein change: p.Lys1457Glu; replaces lysine 1457 with glutamic acid.
Molecular consequence: missense variant.
Genome position (GRCh38, 1-based): chr17:10,525,695, T>C on the plus strand (A>G on the coding strand, the complement: MYH2 is on the minus strand). VCF-style: chr17-10525695-T-C. GRCh37 (hg19) VCF-style: chr17-10429012-T-C.
Other names: c.4369A>G, p.Lys1457Glu (NM_001100112.2); short protein forms K1457E.
Identifiers: ClinVar variation 572774 (VCV000572774.6), dbSNP rs776886264, ClinGen allele CA8390654.